The following is an entry in ClinVar:

NM_016032.4(ZDHHC9):c.1084G>C (p.Ala362Pro)

Gene: ZDHHC9 (zDHHC palmitoyltransferase 9; minus strand). Cytogenetic location: Xq26.1.
Variant type: single nucleotide variant.
Coding change: c.1084G>C on transcript NM_016032.4 (MANE Select); coding-DNA position 1084, G replaced by C.
Protein change: p.Ala362Pro; replaces alanine 362 with proline.
Molecular consequence: missense variant.
Genome position (GRCh38, 1-based): chrX:129,806,381, C>G on the plus strand (G>C on the coding strand, the complement: ZDHHC9 is on the minus strand). VCF-style: chrX-129806381-C-G. GRCh37 (hg19) VCF-style: chrX-128940357-C-G.
Other names: c.1084G>C, p.Ala362Pro (NM_001008222.3); short protein forms A362P.
Identifiers: ClinVar variation 2421602 (VCV002421602.6), dbSNP rs1299515948, ClinGen allele CA414577615.

ClinVar aggregate classification (germline): Uncertain significance (1 of 4 stars; one submission).

Conditions:
Intellectual developmental disorder, X-linked, syndromic, Raymond type. Also called: Syndromic X-linked intellectual disability Raymond type. Identifiers: MedGen C3275406, MONDO:0010427, OMIM 300799.

Allele frequency attached by ClinVar (database versions not stated): gnomAD exomes below 0.00001; TOPMed 0.00002.
gnomAD v4.1: 3 of 1,210,810 alleles (0.00025%); highest among the groups gnomAD compares: Non-Finnish European, 0.00034%; no homozygotes.

Submission:

Labcorp Genetics (formerly Invitae), Labcorp
Classification: Uncertain significance for Intellectual developmental disorder, X-linked, syndromic, Raymond type. Last evaluated: 2023-07-27. Review status: criteria provided, single submitter. Criteria: Invitae Variant Classification Sherloc (09022015). Collection method: clinical testing. Allele origin: germline.
Comment: This variant has not been reported in the literature in individuals affected with ZDHHC9-related conditions. This sequence change replaces alanine, which is neutral and non-polar, with proline, which is neutral and non-polar, at codon 362 of the ZDHHC9 protein (p.Ala362Pro). This variant is present in population databases (no rsID available, gnomAD 0.001%). ClinVar contains an entry for this variant (Variation ID: 2421602). Experimental studies and prediction algorithms are not available or were not evaluated, and the functional significance of this variant is currently unknown. In summary, the available evidence is currently insufficient to determine the role of this variant in disease. Therefore, it has been classified as a Variant of Uncertain Significance.